The following is an entry in ClinVar:

ClinVar aggregate classification (germline): Conflicting classifications of pathogenicity. Review status: criteria provided, conflicting classifications (1 of 4 stars). 2 submissions from 2 submitters: Uncertain significance (1); Benign (1). Last evaluated 2026-01-13.

Allele frequency attached by ClinVar (database versions not stated): ExAC 0.00026; gnomAD exomes 0.00038; gnomAD 0.00060 and 0.00062; TOPMed 0.00082; 1000 Genomes Project 0.00100; 1000 Genomes Project 30x 0.00109.
gnomAD v4.1: 479 of 1,614,092 alleles (0.03%); highest among the groups gnomAD compares: Admixed American, 0.18%; no homozygotes.

Submissions (2):

Labcorp Genetics (formerly Invitae), Labcorp
Classification: Uncertain significance. Last evaluated: 2026-01-13. Review status: criteria provided, single submitter. Criteria: Invitae Variant Classification Sherloc (09022015). Collection method: clinical testing. Allele origin: germline.
Comment: This sequence change replaces asparagine, which is neutral and polar, with serine, which is neutral and polar, at codon 284 of the PLD3 protein (p.Asn284Ser). This variant is present in population databases (rs200274020, gnomAD 0.1%), and has an allele count higher than expected for a pathogenic variant. This variant has not been reported in the literature in individuals affected with PLD3-related conditions. ClinVar contains an entry for this variant (Variation ID: 1686093). An algorithm developed to predict the effect of missense changes on protein structure and function (PolyPhen-2) suggests that this variant is likely to be disruptive. In summary, the available evidence is currently insufficient to determine the role of this variant in disease. Therefore, it has been classified as a Variant of Uncertain Significance.

Mendelics
Classification: Benign. Last evaluated: 2022-05-04. Review status: criteria provided, single submitter. Criteria: Mendelics Assertion Criteria 2019. Collection method: clinical testing. Allele origin: germline.

NM_012268.4(PLD3):c.851A>G (p.Asn284Ser)

Genes: PLD3 (phospholipase D family member 3; plus strand), LOC121852988 (Sharpr-MPRA regulatory region 12346; plus strand). Cytogenetic location: 19q13.2.
Variant type: single nucleotide variant.
Coding change: c.851A>G on transcript NM_012268.4 (MANE Select); coding-DNA position 851, A replaced by G.
Protein change: p.Asn284Ser; replaces asparagine 284 with serine.
Molecular consequence: missense variant.
Genome position (GRCh38, 1-based): chr19:40,371,845, A>G. VCF-style: chr19-40371845-A-G. GRCh37 (hg19) VCF-style: chr19-40877752-A-G.
Other names: c.851A>G, p.Asn284Ser (NM_001031696.4, NM_001291311.2); short protein forms N284S.
Identifiers: ClinVar variation 1686093 (VCV001686093.6), dbSNP rs200274020, ClinGen allele CA9442835.